The following is an entry in ClinVar:

NM_139058.3(ARX):c.771C>T (p.Arg257=)

Gene: ARX (aristaless related homeobox; minus strand). Cytogenetic location: Xp21.3.
Variant type: single nucleotide variant.
Coding change: c.771C>T on transcript NM_139058.3 (MANE Select); coding-DNA position 771, C replaced by T.
Protein change: p.Arg257=; no amino-acid change (arginine 257 retained).
Molecular consequence: synonymous variant.
Genome position (GRCh38, 1-based): chrX:25,013,224, G>A on the plus strand (C>T on the coding strand, the complement: ARX is on the minus strand). VCF-style: chrX-25013224-G-A. GRCh37 (hg19) VCF-style: chrX-25031341-G-A.
Identifiers: ClinVar variation 662639 (VCV000662639.6), dbSNP rs1601948418, ClinGen allele CA515947488.

ClinVar aggregate classification (germline): Conflicting classifications of pathogenicity. Review status: criteria provided, conflicting classifications (1 of 4 stars). 2 submissions from 2 submitters: Uncertain significance (1); Likely benign (1). Last evaluated 2025-07-30.

Conditions:
Developmental and epileptic encephalopathy, 1 (DEE1). Also called: X-linked infantile spasms; West's syndrome; Tonic spasms with clustering, arrest of psychomotor development and hypsarrhythmia on EEG; X-Linked Infantile Spasm Syndrome; OHTAHARA SYNDROME, X-LINKED; INFANTILE SPASM SYNDROME, X-LINKED 1. Identifiers: MedGen C3463992, MONDO:0010632, OMIM 308350. Disease mechanism: loss of function.
Intellectual disability, X-linked, with or without seizures, ARX-related. Also called: INTELLECTUAL DEVELOPMENTAL DISORDER, X-LINKED 29; Mental retardation, X-linked 52; MENTAL RETARDATION, X-LINKED 29; MENTAL RETARDATION, X-LINKED 32; MENTAL RETARDATION, X-LINKED 33; MENTAL RETARDATION, X-LINKED 38. Identifiers: Orphanet 777, MedGen C0796244, MONDO:0010317, OMIM 300419.

Submissions (2):

Labcorp Genetics (formerly Invitae), Labcorp
Classification: Likely benign for Developmental and epileptic encephalopathy, 1; Intellectual disability, X-linked, with or without seizures, ARX-related. Last evaluated: 2025-07-30. Review status: criteria provided, single submitter. Criteria: Invitae Variant Classification Sherloc (09022015). Collection method: clinical testing. Allele origin: germline.

Baylor Genetics
Classification: Uncertain significance for Developmental and epileptic encephalopathy, 1. Last evaluated: 2019-07-03. Review status: criteria provided, single submitter. Criteria: ACMG Guidelines, 2015. Collection method: clinical testing. Allele origin: unknown. Affected: yes.
Comment: This variant was determined to be of uncertain significance according to ACMG Guidelines, 2015 [PMID:25741868].